The following is an entry in ClinVar:

ClinVar aggregate classification (germline): Pathogenic (1 of 4 stars; one submission).

Submission:

Labcorp Genetics (formerly Invitae), Labcorp
Classification: Pathogenic. Last evaluated: 2025-11-11. Review status: criteria provided, single submitter. Criteria: Invitae Variant Classification Sherloc (09022015). Collection method: clinical testing. Allele origin: germline.
Comment: This sequence change creates a premature translational stop signal (p.Leu18Ilefs*2) in the AAAS gene. It is expected to result in an absent or disrupted protein product. Loss-of-function variants in AAAS are known to be pathogenic (PMID: 11159947). This variant is present in population databases (no rsID available, gnomAD 0.0009%). This variant has not been reported in the literature in individuals affected with AAAS-related conditions. For these reasons, this variant has been classified as Pathogenic.

Literature cited by the submitters: PubMed 11159947.

NM_015665.6(AAAS):c.52_53del (p.Leu18fs)

Gene: AAAS (aladin WD repeat nucleoporin; minus strand). Cytogenetic location: 12q13.13.
Variant type: Deletion.
Coding change: c.52_53del on transcript NM_015665.6 (MANE Select); coding-DNA positions 52 to 53, 2 bases deleted (CT; older notation c.52_53delCT).
Protein change: p.Leu18fs; shifts the reading frame from leucine 18.
Molecular consequence: frameshift variant.
Genome position (GRCh38, 1-based): chr12:53,321,413-53,321,414, AG deleted on the plus strand (CT on the coding strand, the reverse complement: AAAS is on the minus strand). VCF-style (leftmost placement, unchanged base first): chr12-53321412-TAG-T. GRCh37 (hg19) VCF-style: chr12-53715196-TAG-T.
Other names: c.52_53del, p.Leu18fs (NM_001173466.2); short protein forms L18fs.
Identifiers: ClinVar variation 4690774 (VCV004690774.1).